The following is an entry in ClinVar:

ClinVar aggregate classification (germline): Likely benign (1 of 4 stars; one submission).

Submissions (2):

CeGaT Center for Human Genetics Tuebingen
Classification: Likely benign. Last evaluated: 2023-01-01. Review status: criteria provided, single submitter. Criteria: CeGaT Center For Human Genetics Tuebingen Variant Classification Criteria Version 2. Collection method: clinical testing. Allele origin: germline. Affected: yes. Observed: 1 variant allele.
Comment: TP53I11: BP4, BS2

Dr. Peter K. Rogan Lab, Western University
No classification provided (evidence only). Condition: Colon adenocarcinoma. Review status: no classification provided. Collection method: in vitro. Allele origin: not applicable. Functional consequence: retained intron. Not counted in ClinVar's aggregate classification.

NM_006034.5(TP53I11):c.437-12TC[2]

Gene: TP53I11 (tumor protein p53 inducible protein 11; minus strand). Cytogenetic location: 11p11.2.
Variant type: Microsatellite.
Coding change: c.437-12TC[2] on transcript NM_006034.5 (MANE Select); two copies in a row of the 2-base unit TC starting at c.437-12; the reference has three copies in a row; one copy, 2 bases deleted.
Molecular consequence: intron variant.
Genome position (GRCh38, 1-based): chr11:44,935,024-44,935,025, GA deleted on the plus strand (TC on the coding strand, the reverse complement: TP53I11 is on the minus strand); deleting any 2 consecutive bases within chr11:44,935,024-44,935,030 gives the same sequence; the position shown is the placement nearest the transcript's 3' end. VCF-style (leftmost placement, unchanged base first): chr11-44935023-GGA-G. GRCh37 (hg19) VCF-style: chr11-44956574-GGA-G.
Other names: NC_000011.9:g.44956580_44956581del; c.437-12TC[2] (NM_001258324.1, NM_001318385.1, NM_001318386.1 and 5 more transcripts); c.281-12TC[2] (NM_001318387.2); c.278-12TC[2] (NM_001318388.2); c.212-12TC[2] (NM_001318389.2); c.203-12TC[2] (NM_001318390.2); c.437-13_437-12del (NM_006034.5).
Identifiers: ClinVar variation 2641733 (VCV002641733.24), dbSNP rs747485643, ClinGen allele CA5956685.